The following is an entry in ClinVar:

ClinVar aggregate classification (germline): Conflicting classifications of pathogenicity. Review status: criteria provided, conflicting classifications (1 of 4 stars). 2 submissions from 2 submitters: Uncertain significance (1); Likely benign (1). Last evaluated 2025-12-21.

Conditions:
Congenital contractural arachnodactyly (CCA). Also called: BEALS SYNDROME; Beals-Hecht syndrome; Arthrogryposis, distal, type 9. Identifiers: Orphanet 115, MedGen C0220668, MONDO:0007363, OMIM 121050.

Allele frequency attached by ClinVar (database versions not stated): ExAC 0.00001; TOPMed 0.00004.
gnomAD v4.1: 9 of 1,607,212 alleles (0.00056%); highest among the groups gnomAD compares: Non-Finnish European, 0.00068%; no homozygotes.

Submissions (2):

Labcorp Genetics (formerly Invitae), Labcorp
Classification: Uncertain significance for Congenital contractural arachnodactyly. Last evaluated: 2025-12-21. Review status: criteria provided, single submitter. Criteria: Invitae Variant Classification Sherloc (09022015). Collection method: clinical testing. Allele origin: germline.
Comment: This sequence change falls in intron 63 of the FBN2 gene. It does not directly change the encoded amino acid sequence of the FBN2 protein. It affects a nucleotide within the consensus splice site. This variant is present in population databases (rs752575354, gnomAD 0.002%). This variant has not been reported in the literature in individuals affected with FBN2-related conditions. ClinVar contains an entry for this variant (Variation ID: 384800). Variants that disrupt the consensus splice site are a relatively common cause of aberrant splicing (PMID: 17576681, 9536098). Algorithms developed to predict the effect of sequence changes on RNA splicing suggest that this variant is not likely to affect RNA splicing. In summary, the available evidence is currently insufficient to determine the role of this variant in disease. Therefore, it has been classified as a Variant of Uncertain Significance.

GeneDx
Classification: Likely benign. Last evaluated: 2016-03-18. Review status: criteria provided, single submitter. Criteria: GeneDx Variant Classification (06012015). Collection method: clinical testing. Allele origin: germline. Affected: yes.
Comment: This variant is considered likely benign or benign based on one or more of the following criteria: it is a conservative change, it occurs at a poorly conserved position in the protein, it is predicted to be benign by multiple in silico algorithms, and/or has population frequency not consistent with disease.

Literature cited by the submitters: PubMed 17576681 (cited by Labcorp Genetics (formerly Invitae), Labcorp); PubMed 9536098 (cited by Labcorp Genetics (formerly Invitae), Labcorp).

NM_001999.4(FBN2):c.8192+6G>A

Gene: FBN2 (fibrillin 2; minus strand). Cytogenetic location: 5q23.3.
Variant type: single nucleotide variant.
Coding change: c.8192+6G>A on transcript NM_001999.4 (MANE Select); 6 bases into the intron after coding-DNA position 8192, G replaced by A.
Molecular consequence: intron variant.
Genome position (GRCh38, 1-based): chr5:128,263,419, C>T on the plus strand (G>A on the coding strand, the complement: FBN2 is on the minus strand). VCF-style: chr5-128263419-C-T. GRCh37 (hg19) VCF-style: chr5-127599111-C-T.
Identifiers: ClinVar variation 384800 (VCV000384800.10), dbSNP rs752575354, ClinGen allele CA3393900.